The following is an entry in ClinVar:

ClinVar aggregate classification (germline): Pathogenic (1 of 4 stars; one submission).

Submission:

GeneDx
Classification: Pathogenic. Last evaluated: 2026-02-20. Review status: criteria provided, single submitter. Criteria: GeneDx Variant Classification Process June 2021. Collection method: clinical testing. Allele origin: germline.
Comment: Nonsense variant predicted to result in protein truncation or nonsense mediated decay in a gene for which loss of function is a known mechanism of disease; Not observed at significant frequency in large population cohorts (gnomAD); This variant is associated with the following publications: (PMID: 39470770, 27835667)

NM_001009944.3(PKD1):c.11808G>A (p.Trp3936Ter)

Gene: PKD1 (polycystin 1, transient receptor potential channel interacting; minus strand). Cytogenetic location: 16p13.3.
Variant type: single nucleotide variant.
Coding change: c.11808G>A on transcript NM_001009944.3 (MANE Select); coding-DNA position 11808, G replaced by A.
Protein change: p.Trp3936Ter; replaces tryptophan 3936 with a stop codon.
Molecular consequence: nonsense.
Genome position (GRCh38, 1-based): chr16:2,091,079, C>T on the plus strand (G>A on the coding strand, the complement: PKD1 is on the minus strand). VCF-style: chr16-2091079-C-T. GRCh37 (hg19) VCF-style: chr16-2141080-C-T.
Other names: c.11805G>A, p.Trp3935Ter (NM_000296.4); short protein forms W3935*, W3936*.
Identifiers: ClinVar variation 4887865 (VCV004887865.1).